The following is an entry in ClinVar:

NC_000011.9:g.(?_107992334)_(108010962_?)del

Gene: ACAT1 (acetyl-CoA acetyltransferase 1; plus strand). Cytogenetic location: 11q22.3.
Variant type: Deletion.
Identifiers: ClinVar variation 3244600 (VCV003244600.1).

ClinVar aggregate classification (germline): Pathogenic (1 of 4 stars; one submission).

Conditions:
Deficiency of acetyl-CoA acetyltransferase. Also called: 3-KETOTHIOLASE DEFICIENCY; 3-OXOTHIOLASE DEFICIENCY; MITOCHONDRIAL ACETOACETYL-CoA THIOLASE DEFICIENCY; Beta-ketothiolase deficiency. Identifiers: Orphanet 134, MedGen C1536500, MONDO:0008760, OMIM 203750. Disease mechanism: loss of function.

Submission:

Labcorp Genetics (formerly Invitae), Labcorp
Classification: Pathogenic for Deficiency of acetyl-CoA acetyltransferase. Last evaluated: 2023-12-19. Review status: criteria provided, single submitter. Criteria: Invitae Variant Classification Sherloc (09022015). Collection method: clinical testing. Allele origin: unknown.
Comment: This variant is a gross deletion of the genomic region encompassing exon(s) 1-7 of the ACAT1 gene, which includes the initiator codon. This deletion extends beyond the assayed region for this gene and therefore may encompass additional genes. It is expected to result in an absent or disrupted protein product. Loss-of-function variants in ACAT1 are known to be pathogenic (PMID: 7749408). This variant has not been reported in the literature in individuals affected with ACAT1-related conditions. For these reasons, this variant has been classified as Pathogenic.

Literature cited by the submitters: PubMed 7749408.